The following is an entry in ClinVar:

ClinVar aggregate classification (germline): Pathogenic/Likely pathogenic. Review status: criteria provided, multiple submitters, no conflicts (2 of 4 stars). 7 submissions from 7 submitters: Pathogenic (1); Likely pathogenic (5). 1 of the submissions does not count toward it. Last evaluated 2026-01-21.

Conditions:
Cardiovascular phenotype. Identifiers: MedGen CN230736.
Autosomal recessive limb-girdle muscular dystrophy type 2J (LGMDR10). Also called: MUSCULAR DYSTROPHY, LIMB-GIRDLE, AUTOSOMAL RECESSIVE 10; Limb-girdle muscular dystrophy, type 2J. Identifiers: Orphanet 140922, MedGen C1837342, MONDO:0012127, OMIM 608807.
Dilated cardiomyopathy 1G (CMD1G). Identifiers: Orphanet 154, MedGen C1858763, MONDO:0011400, OMIM 604145.
Tibial muscular dystrophy (TMD). Also called: UDD MYOPATHY; Tibial muscular dystrophy, tardive; Udd Distal Myopathy – Tibial Muscular Dystrophy. Identifiers: Orphanet 609, MedGen C1838244, MONDO:0010870, OMIM 600334.
Early-onset myopathy with fatal cardiomyopathy (CMYO5). Also called: Salih Myopathy; CONGENITAL MYOPATHY 5 WITH CARDIOMYOPATHY. Identifiers: Orphanet 289377, MedGen C2673677, MONDO:0012714, OMIM 611705. Disease mechanism: loss of function.
Hypertrophic cardiomyopathy 9. Also called: Familial hypertrophic cardiomyopathy 9. Identifiers: MedGen C1861065, MONDO:0013412, OMIM 613765.

Allele frequency attached by ClinVar (database versions not stated): ExAC 0.00001; gnomAD 0.00001; 1000 Genomes Project 30x 0.00016; gnomAD exomes below 0.00001.

Submissions (7):

Labcorp Genetics (formerly Invitae), Labcorp
Classification: Likely pathogenic for Dilated cardiomyopathy 1G; Autosomal recessive limb-girdle muscular dystrophy type 2J. Last evaluated: 2026-01-21. Review status: criteria provided, single submitter. Criteria: Invitae Variant Classification Sherloc (09022015). Collection method: clinical testing. Allele origin: germline.
Comment: This sequence change creates a premature translational stop signal (p.Pro19734Argfs*5) in the TTN gene. While this is not anticipated to result in nonsense mediated decay, it is expected to create a truncated TTN protein. This variant is present in population databases (rs752948913, gnomAD 0.0009%). This premature translational stop signal has been observed in individual(s) with dilated cardiomyopathy and/or peripartum cardiomyopathy (PMID: 30847666, 31691645, 31983221, 33874732, 37652022; internal data). This variant is also known as c.51497_51498del. ClinVar contains an entry for this variant (Variation ID: 419310). This variant is located in the A band of TTN (PMID: 25589632). Truncating variants in this region are significantly overrepresented in patients affected with dilated cardiomyopathy (PMID: 25589632). Truncating variants in this region have also been reported in individuals affected with autosomal recessive centronuclear myopathy (PMID: 23975875). In summary, the currently available evidence indicates that the variant is pathogenic, but additional data are needed to prove that conclusively. Therefore, this variant has been classified as Likely Pathogenic.

Ambry Genetics
Classification: Likely pathogenic for Cardiovascular phenotype. Last evaluated: 2025-07-08. Review status: criteria provided, single submitter. Criteria: Ambry Variant Classification Scheme 2023. Collection method: clinical testing. Allele origin: germline.
Comment: The c.32006_32007delCT variant, located in coding exon 127 of the TTN gene, results from a deletion of two nucleotides at nucleotide positions 32006 to 32007, causing a translational frameshift with a predicted alternate stop codon (p.P10669Rfs*5). This exon is located in the A-band region of the N2-B isoform of the titin protein and is constitutively expressed in TTN transcripts (percent spliced in or PSI 100%). This variant (also referred to as as NM_133378.4:c.51497_51498del, p.Pro17166Argfs*5 and NM_001267550.1:c.59201_59202delCT, p.Pro19734Argfs*5) has been detected in a cardiomyopathy genetic testing cohort and in a peripartum cardiomyopathy cohort (van Lint FHM et al. Neth Heart J, 2019 Jun;27:304-309). This variant is considered to be rare based on population cohorts in the Genome Aggregation Database (gnomAD). This alteration is expected to result in loss of function by premature protein truncation or nonsense-mediated mRNA decay. While truncating variants in TTN are present in 1-3% of the general population, truncating variants in the A-band are the most common cause of dilated cardiomyopathy (DCM) (Herman DS et al. N. Engl. J. Med., 2012 Feb;366:619-28; Roberts AM et al. Sci Transl Med, 2015 Jan;7:270ra6). TTN truncating variants encoded in constitutive exons (PSI >90%) have been found to be significantly associated with DCM regardless of their position in titin (Schafer S et al. Nat. Genet., 2017 01;49:46-53). Based on the majority of available evidence to date, this variant is likely to be pathogenic.

GeneDx
Classification: Pathogenic. Last evaluated: 2024-06-24. Review status: criteria provided, single submitter. Criteria: GeneDx Variant Classification Process June 2021. Collection method: clinical testing. Allele origin: germline. Affected: yes.
Comment: Frameshift variant predicted to result in protein truncation or nonsense mediated decay in a gene for which loss of function is a known mechanism of disease; Located in the A-band region of TTN in which the majority of loss of function variants have been associated with autosomal dominant titinopathies (PMID: 22335739); Not observed at significant frequency in large population cohorts (gnomAD); Identified in patients with DCM or peripartum cardiomyopathy in published literature and referred for genetic testing at GeneDx; at least one patient harbored an additional cardiogenetic variant (PMID: 30847666, 33874732); This variant is associated with the following publications: (PMID: 35177841, 33874732, 22335739, 30847666, 31691645, 36264615)

Illumina Laboratory Services, Illumina
Classification: Likely pathogenic for Dilated cardiomyopathy 1G. Last evaluated: 2023-10-10. Review status: criteria provided, single submitter. Criteria: ICSLVariantClassificationCriteria RUGD 01 April 2020. Collection method: clinical testing. Allele origin: unknown.
Comment: The TTN c.59201_59202del p.(Pro19734ArgfsTer5) variant causes a shift in the protein reading frame that is predicted to result in premature termination of the protein. Loss of normal protein function through either protein truncation or nonsense-mediated mRNA decay is expected. This variant, also referred to as p.(Pro17166ArgfsTer5) in the literature, has been identified in two individuals with dilated cardiomyopathy (DCM) and in one individual with peripartum cardiomyopathy. One of the individuals with DCM also carried a second missense variant (PMID: 30847666; 33874732; 31983221). This variant is located in exon 300 of the meta transcript of titin within the A-band, which is highly expressed in cardiac tissue (PMID:25589632). In a meta-analysis of TTN truncating variants in DCM patients and controls, variants in this region were associated with a significantly increased risk of developing DCM (odds ratio 49.8) (PMID:27869827). The p.(Pro19734ArgfsTer5) variant is reported in the Genome Aggregation Database in one allele at a frequency of 0.000009 in the European (non-Finnish) population (version 2.1.1). This variant has been classified as likely pathogenic by at least three submitters in ClinVar. Based on the available evidence, the c.59201_59202del p.(Pro19734ArgfsTer5) variant is classified as likely pathogenic for dilated cardiomyopathy.

Department of Pathology and Laboratory Medicine, Sinai Health System
Classification: Likely pathogenic for Tibial muscular dystrophy; Autosomal recessive limb-girdle muscular dystrophy type 2J; Dilated cardiomyopathy 1G; Early-onset myopathy with fatal cardiomyopathy; Hypertrophic cardiomyopathy 9. Last evaluated: 2023-02-06. Review status: criteria provided, single submitter. Criteria: ACMG Guidelines, 2015. Collection method: research. Allele origin: germline.

Victorian Clinical Genetics Services, Murdoch Childrens Research Institute
Classification: Likely pathogenic for Dilated cardiomyopathy 1G. Last evaluated: 2020-10-19. Review status: criteria provided, single submitter. Criteria: ACMG Guidelines, 2015. Collection method: clinical testing. Allele origin: germline. Affected: yes.
Comment: Based on the classification scheme VCGS_Germline_v1.1.1, this variant is classified as Likely pathogenic. Following criteria are met: 0102 - Loss-of-function is a known mechanism of disease for this gene. (N) 0104 - Dominant Negative is a mechanism of disease for this gene. (N) 0108 - This gene is known to be associated with both recessive and dominant disease. (N) 0112 - Variants in this gene are known to have reduced penetrance (Franaszczyk, M. et al. (2017)). (N) 0201 - Variant is predicted to cause nonsense-mediated decay (NMD) and loss of protein. (exon 128 of 191). (P) 0251 - Variant is heterozygous. (N) 0302 - Variant is present in gnomAD <0.001 for a dominant condition (1 heterozygote, 0 homozygotes). (P) 0507 - Identified variant type is not compatible with in-silico predictions of pathogenicity. (N) 0602 - Variant is located in a hotspot region or cluster of pathogenic variants. TTN A-band, PSI score= 1 (Roberts, A. et al. (2015)). (N) 0703 - Comparable variants have moderate previous evidence for pathogenicity. (ClinVar, Decipher). (P) 0802 - Moderate previous evidence of pathogenicity in unrelated individuals. Reported likely pathogenic in one DCM patient (van Lint, F. et al. (2019)) and listed as likely pathogenic in three individuals (ClinVar). (P) 0905 - No segregation evidence has been identified for this variant. (N) 1007 - No published functional evidence has been identified for this variant. (N) 1208 - Segregation information for this variant is not currently available. (N) Legend: (P) - Pathogenic, (N) - Neutral, (B) - Benign

Cardiogenetics and Myogenetics Molecular and Cellular Functional Unit, Aphp Sorbonne University-Hopital Pitie Salpetriere
Classification: Likely pathogenic for Dilated cardiomyopathy 1G. Last evaluated: 2024-01-06. Review status: no assertion criteria provided. Collection method: clinical testing. Allele origin: germline. Affected: yes. Not counted in ClinVar's aggregate classification.

Literature cited by the submitters: PubMed 30847666 (cited by 3 submitters); PubMed 31691645 (cited by Labcorp Genetics (formerly Invitae), Labcorp); PubMed 31983221 (cited by Labcorp Genetics (formerly Invitae), Labcorp and Illumina Laboratory Services, Illumina); PubMed 33874732 (cited by 3 submitters); PubMed 37652022 (cited by Labcorp Genetics (formerly Invitae), Labcorp); PubMed 25589632 (cited by Labcorp Genetics (formerly Invitae), Labcorp and Illumina Laboratory Services, Illumina); PubMed 23975875 (cited by Labcorp Genetics (formerly Invitae), Labcorp); PubMed 27869827 (cited by Illumina Laboratory Services, Illumina).

NM_001267550.2(TTN):c.59201_59202del (p.Pro19734fs)

Genes: TTN-AS1 (TTN antisense RNA 1; plus strand), TTN (titin; minus strand). Cytogenetic location: 2q31.2.
Variant type: Deletion.
Coding change: c.59201_59202del on transcript NM_001267550.2 (MANE Select); coding-DNA positions 59201 to 59202, 2 bases deleted (CT; older notation c.59201_59202delCT).
Protein change: p.Pro19734fs; shifts the reading frame from proline 19734.
Molecular consequence: frameshift variant.
Genome position (GRCh38, 1-based): chr2:178,592,917-178,592,918, AG deleted on the plus strand (CT on the coding strand, the reverse complement: TTN is on the minus strand). VCF-style (leftmost placement, unchanged base first): chr2-178592916-CAG-C. GRCh37 (hg19) VCF-style: chr2-179457643-CAG-C.
Other names: c.54278_54279del, p.Pro18093fs (NM_001256850.1); c.32006_32007del, p.Pro10669fs (NM_003319.4); c.51497_51498del, p.Pro17166fs (NM_133378.4); c.32381_32382del, p.Pro10794fs (NM_133432.3); c.32582_32583del, p.Pro10861fs (NM_133437.4); c.59201_59202del (LRG_391t1); c.54278_54279delCT (NM_001256850.1); c.59201_59202delCT (NM_001267550.2); and 1 more; short protein forms P10794fs, P10861fs, P17166fs, P19734fs, P18093fs, P10669fs.
Identifiers: ClinVar variation 419310 (VCV000419310.22), dbSNP rs752948913, ClinGen allele CA1992702.